The following is an entry in ClinVar:

NM_001267550.2(TTN):c.106889T>C (p.Ile35630Thr)

Genes: TTN-AS1 (TTN antisense RNA 1; plus strand), TTN (titin; minus strand). Cytogenetic location: 2q31.2.
Variant type: single nucleotide variant.
Coding change: c.106889T>C on transcript NM_001267550.2 (MANE Select); coding-DNA position 106889, T replaced by C.
Protein change: p.Ile35630Thr; replaces isoleucine 35630 with threonine.
Molecular consequence: missense variant.
Genome position (GRCh38, 1-based): chr2:178,528,862, A>G on the plus strand (T>C on the coding strand, the complement: TTN is on the minus strand). VCF-style: chr2-178528862-A-G. GRCh37 (hg19) VCF-style: chr2-179393589-A-G.
Other names: c.101966T>C, p.Ile33989Thr (NM_001256850.1); c.79694T>C, p.Ile26565Thr (NM_003319.4); c.99185T>C, p.Ile33062Thr (NM_133378.4); c.80069T>C, p.Ile26690Thr (NM_133432.3); c.80270T>C, p.Ile26757Thr (NM_133437.4); short protein forms I26690T, I35630T, I26565T, I26757T, I33989T, I33062T.
Identifiers: ClinVar variation 2947712 (VCV002947712.3), dbSNP rs2468303131, ClinGen allele CA349402751.

ClinVar aggregate classification (germline): Uncertain significance (1 of 4 stars; one submission).

Conditions:
Dilated cardiomyopathy 1G (CMD1G). Identifiers: Orphanet 154, MedGen C1858763, MONDO:0011400, OMIM 604145.
Autosomal recessive limb-girdle muscular dystrophy type 2J (LGMDR10). Also called: Limb-girdle muscular dystrophy, type 2J; MUSCULAR DYSTROPHY, LIMB-GIRDLE, AUTOSOMAL RECESSIVE 10. Identifiers: Orphanet 140922, MedGen C1837342, MONDO:0012127, OMIM 608807.

Submission:

Labcorp Genetics (formerly Invitae), Labcorp
Classification: Uncertain significance for Dilated cardiomyopathy 1G; Autosomal recessive limb-girdle muscular dystrophy type 2J. Last evaluated: 2025-05-19. Review status: criteria provided, single submitter. Criteria: Invitae Variant Classification Sherloc (09022015). Collection method: clinical testing. Allele origin: germline.
Comment: This sequence change replaces isoleucine, which is neutral and non-polar, with threonine, which is neutral and polar, at codon 35630 of the TTN protein (p.Ile35630Thr). This variant is not present in population databases (gnomAD no frequency). This variant has not been reported in the literature in individuals affected with TTN-related conditions. ClinVar contains an entry for this variant (Variation ID: 2947712). Experimental studies and prediction algorithms are not available or were not evaluated, and the functional significance of this variant is currently unknown. This variant is located in the M band of TTN (PMID: 25589632). Non-truncating variants in this region may be relevant for neuromuscular disorders, but have not been definitively shown to cause cardiomyopathy (PMID: 23975875). In summary, the available evidence is currently insufficient to determine the role of this variant in disease. Therefore, it has been classified as a Variant of Uncertain Significance.

Literature cited by the submitters: PubMed 25589632; PubMed 23975875.